The following is an entry in ClinVar:

NM_000350.3(ABCA4):c.4611G>C (p.Thr1537=)

Gene: ABCA4 (ATP binding cassette subfamily A member 4; minus strand). Cytogenetic location: 1p22.1.
Variant type: single nucleotide variant.
Coding change: c.4611G>C on transcript NM_000350.3 (MANE Select); coding-DNA position 4611, G replaced by C.
Protein change: p.Thr1537=; no amino-acid change (threonine 1537 retained).
Molecular consequence: synonymous variant.
Genome position (GRCh38, 1-based): chr1:94,024,977, C>G on the plus strand (G>C on the coding strand, the complement: ABCA4 is on the minus strand). VCF-style: chr1-94024977-C-G. GRCh37 (hg19) VCF-style: chr1-94490533-C-G.
Other names: c.4389G>C, p.Thr1463= (NM_001425324.1); c.4611G>C (NM_000350.2).
Identifiers: ClinVar variation 1585851 (VCV001585851.10), dbSNP rs138475920, ClinGen allele CA957552.

ClinVar aggregate classification (germline): Likely benign. Review status: criteria provided, multiple submitters, no conflicts (2 of 4 stars). 3 submissions from 3 submitters: Likely benign (3). Last evaluated 2026-02-06.

Conditions:
ABCA4-related disorder. Also called: ABCA4-related condition; ABCA4-related disorders. Identifiers: MedGen CN239167.

gnomAD v4.1: 29 of 1,614,016 alleles (0.0018%); highest among the groups gnomAD compares: African/African-American, 0.036%; no homozygotes.

Submissions (3):

PreventionGenetics, part of Exact Sciences
Classification: Likely benign for ABCA4-related condition. Last evaluated: 2026-02-06. Review status: criteria provided, single submitter. Criteria: ACMG Guidelines, 2015. Collection method: clinical testing. Allele origin: germline.
Comment: This variant is classified as likely benign based on ACMG/AMP sequence variant interpretation guidelines (Richards et al. 2015 PMID: 25741868, with internal and published modifications).

Labcorp Genetics (formerly Invitae), Labcorp
Classification: Likely benign. Last evaluated: 2024-03-17. Review status: criteria provided, single submitter. Criteria: Invitae Variant Classification Sherloc (09022015). Collection method: clinical testing. Allele origin: germline.

Blueprint Genetics
Classification: Likely benign. Last evaluated: 2023-07-20. Review status: criteria provided, single submitter. Criteria: ACMG Guidelines, 2015. Collection method: clinical testing. Allele origin: germline.